The following is an entry in ClinVar:

ClinVar aggregate classification (germline): Uncertain significance (1 of 4 stars; one submission).

Conditions:
Klippel-Feil syndrome 1, autosomal dominant (KFS1). Also called: CERVICAL VERTEBRAL FUSION, AUTOSOMAL DOMINANT. Identifiers: Orphanet 2345, MedGen C1861689, MONDO:0007306, OMIM 118100.
Leber congenital amaurosis 17 (LCA17). Identifiers: Orphanet 65, MedGen C3715164, MONDO:0014145, OMIM 615360.
Isolated microphthalmia 4. Identifiers: Orphanet 2542, MedGen C2751307, MONDO:0013130, OMIM 613094.
Microphthalmia, isolated, with coloboma 6 (MCOPCB6). Also called: Microphthalmia with coloboma 6, digenic; Microphthalmia with coloboma 6; MICROPHTHALMIA/COLOBOMA 6. Identifiers: Orphanet 98938, MedGen C3150968, MONDO:0013376, OMIM 613703.

Allele frequency attached by ClinVar (database versions not stated): 1000 Genomes Project 30x 0.00047; gnomAD exomes 0.00004 and 0.00002; TOPMed 0.00022; 1000 Genomes Project 0.00040; gnomAD 0.00017 and 0.00019.
gnomAD v4.1: 52 of 1,553,766 alleles (0.0033%); highest among the groups gnomAD compares: African/African-American, 0.059%; no homozygotes.

Submission:

Labcorp Genetics (formerly Invitae), Labcorp
Classification: Uncertain significance for Isolated microphthalmia 4; Leber congenital amaurosis 17; Klippel-Feil syndrome 1, autosomal dominant; Microphthalmia, isolated, with coloboma 6. Last evaluated: 2025-12-24. Review status: criteria provided, single submitter. Criteria: Invitae Variant Classification Sherloc (09022015). Collection method: clinical testing. Allele origin: germline.
Comment: This sequence change replaces leucine, which is neutral and non-polar, with phenylalanine, which is neutral and non-polar, at codon 192 of the GDF6 protein (p.Leu192Phe). This variant is present in population databases (rs565877093, gnomAD 0.05%). This variant has not been reported in the literature in individuals affected with GDF6-related conditions. ClinVar contains an entry for this variant (Variation ID: 1355525). Invitae Evidence Modeling of protein sequence and biophysical properties (such as structural, functional, and spatial information, amino acid conservation, physicochemical variation, residue mobility, and thermodynamic stability) indicates that this missense variant is not expected to disrupt GDF6 protein function with a negative predictive value of 80%. In summary, the available evidence is currently insufficient to determine the role of this variant in disease. Therefore, it has been classified as a Variant of Uncertain Significance.

NM_001001557.4(GDF6):c.574C>T (p.Leu192Phe)

Gene: GDF6 (growth differentiation factor 6; minus strand). Cytogenetic location: 8q22.1.
Variant type: single nucleotide variant.
Coding change: c.574C>T on transcript NM_001001557.4 (MANE Select); coding-DNA position 574, C replaced by T.
Protein change: p.Leu192Phe; replaces leucine 192 with phenylalanine.
Molecular consequence: missense variant.
Genome position (GRCh38, 1-based): chr8:96,145,357, G>A on the plus strand (C>T on the coding strand, the complement: GDF6 is on the minus strand). VCF-style: chr8-96145357-G-A. GRCh37 (hg19) VCF-style: chr8-97157585-G-A.
Other names: short protein forms L192F.
Identifiers: ClinVar variation 1355525 (VCV001355525.6), dbSNP rs565877093, ClinGen allele CA4815432.